The following is an entry in ClinVar:

ClinVar aggregate classification (germline): Pathogenic (1 of 4 stars; one submission).

Conditions:
Gorlin syndrome. Also called: Nevoid Basal Cell Carcinoma Syndrome; Basal cell nevus syndrome. Identifiers: Orphanet 377, MedGen C0004779, MONDO:0007187.

Submission:

Labcorp Genetics (formerly Invitae), Labcorp
Classification: Pathogenic for Gorlin syndrome. Last evaluated: 2024-03-04. Review status: criteria provided, single submitter. Criteria: Invitae Variant Classification Sherloc (09022015). Collection method: clinical testing. Allele origin: germline.
Comment: This variant, c.1345_1347del, results in the deletion of 1 amino acid(s) of the PTCH1 protein (p.Met449del), but otherwise preserves the integrity of the reading frame. This variant also falls at the last nucleotide of exon 9, which is part of the consensus splice site for this exon. This variant is not present in population databases (gnomAD no frequency). This variant has been observed in individual(s) with clinical features consistent with Gorlin syndrome and/or Gorlin syndrome (Invitae). It has also been observed to segregate with disease in related individuals. ClinVar contains an entry for this variant (Variation ID: 524557). Variants that disrupt the consensus splice site are a relatively common cause of aberrant splicing (PMID: 17576681, 9536098). Algorithms developed to predict the effect of sequence changes on RNA splicing suggest that this variant may disrupt the consensus splice site. For these reasons, this variant has been classified as Pathogenic.

Literature cited by the submitters: PubMed 17576681; PubMed 9536098.

NM_000264.5(PTCH1):c.1345_1347del (p.Met449del)

Gene: PTCH1 (patched 1; minus strand). Cytogenetic location: 9q22.32.
Variant type: Deletion.
Coding change: c.1345_1347del on transcript NM_000264.5 (MANE Select); coding-DNA positions 1345 to 1347, 3 bases deleted (ATG; older notation c.1345_1347delATG).
Protein change: p.Met449del; deletes methionine 449.
Molecular consequence: inframe deletion. On other transcripts: non-coding transcript variant (1).
Genome position (GRCh38, 1-based): chr9:95,478,055-95,478,057, CAT deleted on the plus strand (ATG on the coding strand, the reverse complement: PTCH1 is on the minus strand). VCF-style (leftmost placement, unchanged base first): chr9-95478054-CCAT-C. GRCh37 (hg19) VCF-style: chr9-98240336-CCAT-C.
Other names: c.1147_1149del, p.Met383del (NM_001083602.3); c.1342_1344del, p.Met448del (NM_001083603.3); c.892_894del, p.Met298del (NM_001083604.3, NM_001083605.3, NM_001083606.3 and 1 more transcripts); c.1345_1347del, p.Met449del (NM_001354918.2); short protein forms M383del, M449del, M298del, M448del.
Identifiers: ClinVar variation 524557 (VCV000524557.9), dbSNP rs1554698774, ClinGen allele CA658797233.